The following is an entry in ClinVar:

ClinVar aggregate classification (germline): Uncertain significance. Review status: criteria provided, multiple submitters, no conflicts (2 of 4 stars). 3 submissions from 3 submitters: Uncertain significance (3). Last evaluated 2026-09-02.

Conditions:
Inborn genetic diseases. Identifiers: MedGen C0950123, MeSH D030342.

Submissions (3):

Ambry Genetics
Classification: Uncertain significance for Inborn genetic diseases. Last evaluated: 2026-09-02. Review status: criteria provided, single submitter. Criteria: Ambry Variant Classification Scheme 2023. Collection method: clinical testing. Allele origin: germline.

Dasa
Classification: Uncertain significance. Last evaluated: 2025-08-26. Review status: criteria provided, single submitter. Criteria: DASA Assertion Criteria. Collection method: clinical testing. Allele origin: germline.
Comment: NM_001348716.2(KDM6B):c.3515C>G (p.Thr1172Ser) is a missense variant that results in the substitution of threonine with serine. This variant is rare in population databases. The currently available literature and clinical evidence are not sufficient to establish a definitive association between this variant and the reported condition. Therefore, this variant is classified as a variant of uncertain significance.

Laboratorio de Genetica e Diagnostico Molecular, Hospital Israelita Albert Einstein
Classification: Uncertain significance. Last evaluated: 2019-11-22. Review status: criteria provided, single submitter. Criteria: ACMG Guidelines, 2015. Collection method: clinical testing. Allele origin: germline. Affected: yes.
Comment: ACMG classification criteria: PM2, BP4

NM_001348716.2(KDM6B):c.3515C>G (p.Thr1172Ser)

Gene: KDM6B (lysine demethylase 6B; plus strand). Cytogenetic location: 17p13.1.
Variant type: single nucleotide variant.
Coding change: c.3515C>G on transcript NM_001348716.2 (MANE Select); coding-DNA position 3515, C replaced by G.
Protein change: p.Thr1172Ser; replaces threonine 1172 with serine.
Molecular consequence: missense variant.
Genome position (GRCh38, 1-based): chr17:7,849,895, C>G. VCF-style: chr17-7849895-C-G. GRCh37 (hg19) VCF-style: chr17-7753213-C-G.
Other names: c.3515C>G, p.Thr1172Ser (NM_001080424.2); c.3515C>G (NM_001080424.1); short protein forms T1172S.
Identifiers: ClinVar variation 1690733 (VCV001690733.5), dbSNP rs1053427113, ClinGen allele CA397924049.